The following is an entry in ClinVar:

NM_015662.3(IFT172):c.1394T>A (p.Ile465Asn)

Gene: IFT172 (intraflagellar transport 172; minus strand). Cytogenetic location: 2p23.3.
Variant type: single nucleotide variant.
Coding change: c.1394T>A on transcript NM_015662.3 (MANE Select); coding-DNA position 1394, T replaced by A.
Protein change: p.Ile465Asn; replaces isoleucine 465 with asparagine.
Molecular consequence: missense variant.
Genome position (GRCh38, 1-based): chr2:27,476,658, A>T on the plus strand (T>A on the coding strand, the complement: IFT172 is on the minus strand). VCF-style: chr2-27476658-A-T. GRCh37 (hg19) VCF-style: chr2-27699525-A-T.
Other names: c.1394T>A, p.Ile465Asn (NM_001410739.1); short protein forms I465N.
Identifiers: ClinVar variation 4989844 (VCV004989844.1).
Genomic context (GRCh38, chr2:27,476,658, plus strand): 5'-AACATCTATTTTGTTATTAAAATTATGAGAGAGTCTTACTCACCTATAGCAATAGTCTTA[A>T]TATCAATAAGATAAGCCAATTTCTTATTATCTTCTGTTCCTCGCTGACACCTCTCATTAA-3'
Protein context (NP_056477.1, residues 455-475): DNKKLAYLID[Ile465Asn]KTIAIVDLIG

ClinVar aggregate classification (germline): Uncertain significance (1 of 4 stars; one submission).

Conditions:
IFT172-related disorder. Also called: IFT172-related disorders; IFT172-related condition.

gnomAD v4.1: 2 of 1,590,452 alleles (0.00013%); highest among the groups gnomAD compares: Admixed American, 0.0033%; no homozygotes.

Submission:

PreventionGenetics, part of Exact Sciences
Classification: Uncertain significance for IFT172-related condition. Last evaluated: 2025-03-19. Review status: criteria provided, single submitter. Criteria: ACMG Guidelines, 2015. Collection method: clinical testing. Allele origin: germline.
Comment: The IFT172 c.1394T>A variant is predicted to result in the amino acid substitution p.Ile465Asn. To our knowledge, this variant has not been reported in the literature. This variant is reported in 0.0058% of alleles in individuals of Latino descent in gnomAD. At this time, the clinical significance of this variant is uncertain due to the absence of conclusive functional and genetic evidence.